The following is an entry in ClinVar:

NM_001368809.2(AMPD2):c.-18G>T

Gene: AMPD2 (adenosine monophosphate deaminase 2; plus strand). Cytogenetic location: 1p13.3.
Variant type: single nucleotide variant.
Coding change: c.-18G>T on transcript NM_001368809.2 (MANE Select); 18 bases upstream of the start codon, G replaced by T.
Molecular consequence: 5 prime UTR variant. On other transcripts: synonymous variant (1), intron variant (1).
Genome position (GRCh38, 1-based): chr1:109,621,158, G>T. VCF-style: chr1-109621158-G-T. GRCh37 (hg19) VCF-style: chr1-110163780-G-T.
Other names: c.145G>T (NM_004037.6); c.51G>T, p.Ser17= (NM_001308170.1); c.-18G>T (NM_004037.9); c.10+880G>T (NM_139156.4).
Identifiers: ClinVar variation 1479471 (VCV001479471.8), dbSNP rs772899120, ClinGen allele CA992600.

ClinVar aggregate classification (germline): Uncertain significance. Review status: criteria provided, multiple submitters, no conflicts (2 of 4 stars). 4 submissions from 3 submitters: Uncertain significance (4). Last evaluated 2023-12-21.

Conditions:
Inborn genetic diseases. Identifiers: MedGen C0950123, MeSH D030342.
Pontocerebellar hypoplasia type 9. Identifiers: Orphanet 369920, MedGen C4014354, MONDO:0014351, OMIM 615809.
Hereditary spastic paraplegia 63. Also called: Spastic paraplegia 63, autosomal recessive. Identifiers: Orphanet 401805, MedGen C3810295, MONDO:0014305, OMIM 615686.

Allele frequency attached by ClinVar (database versions not stated): gnomAD exomes 0.00001; TOPMed 0.00001; ExAC 0.00002.
gnomAD v4.1: 14 of 1,597,564 alleles (0.00088%); highest among the groups gnomAD compares: Non-Finnish European, 0.0012%; no homozygotes.

Submissions (4):

Labcorp Genetics (formerly Invitae), Labcorp
Classification: Uncertain significance for Pontocerebellar hypoplasia type 9; Hereditary spastic paraplegia 63. Last evaluated: 2023-12-21. Review status: criteria provided, single submitter. Criteria: Invitae Variant Classification Sherloc (09022015). Collection method: clinical testing. Allele origin: germline.
Comment: This sequence change replaces alanine, which is neutral and non-polar, with serine, which is neutral and polar, at codon 49 of the AMPD2 protein (p.Ala49Ser). This variant is present in population databases (rs772899120, gnomAD 0.003%). This variant has not been reported in the literature in individuals affected with AMPD2-related conditions. ClinVar contains an entry for this variant (Variation ID: 1479471). An algorithm developed to predict the effect of missense changes on protein structure and function (PolyPhen-2) suggests that this variant is likely to be tolerated. In summary, the available evidence is currently insufficient to determine the role of this variant in disease. Therefore, it has been classified as a Variant of Uncertain Significance.

Genome-Nilou Lab
Classification: Uncertain significance for Hereditary spastic paraplegia 63. Last evaluated: 2023-04-11. Review status: criteria provided, single submitter. Criteria: ACMG Guidelines, 2015. Collection method: clinical testing. Allele origin: germline. Affected: no.

Genome-Nilou Lab
Classification: Uncertain significance for Pontocerebellar hypoplasia type 9. Last evaluated: 2023-04-11. Review status: criteria provided, single submitter. Criteria: ACMG Guidelines, 2015. Collection method: clinical testing. Allele origin: germline. Affected: no.

Ambry Genetics
Classification: Uncertain significance for Inborn genetic diseases. Last evaluated: 2022-11-08. Review status: criteria provided, single submitter. Criteria: Ambry Variant Classification Scheme 2023. Collection method: clinical testing. Allele origin: germline.